The following is an entry in ClinVar:

NM_023110.3(FGFR1):c.2187-4G>A

Gene: FGFR1 (fibroblast growth factor receptor 1; minus strand). Cytogenetic location: 8p11.23.
Variant type: single nucleotide variant.
Coding change: c.2187-4G>A on transcript NM_023110.3 (MANE Select); 4 bases into the intron before coding-DNA position 2187, G replaced by A.
Molecular consequence: intron variant.
Genome position (GRCh38, 1-based): chr8:38,414,027, C>T on the plus strand (G>A on the coding strand, the complement: FGFR1 is on the minus strand). VCF-style: chr8-38414027-C-T. GRCh37 (hg19) VCF-style: chr8-38271545-C-T.
Other names: c.2187-4G>A (NM_023110.2); c.1908-4G>A (NM_001354368.2); c.1914-4G>A (NM_001354370.2, NM_023106.3); c.1920-4G>A (NM_023105.3, NM_001174066.2); c.2181-4G>A (NM_001354367.2, NM_015850.4, NM_001174063.2 and 1 more transcripts); c.2157-4G>A (NM_001174064.2); c.2175-4G>A (NM_001354369.2, NM_001410922.1); c.2280-4G>A (NM_001174067.2).
Identifiers: ClinVar variation 2948747 (VCV002948747.5), dbSNP rs764353819, ClinGen allele CA4718143.

ClinVar aggregate classification (germline): Likely benign. Review status: criteria provided, single submitter (1 of 4 stars). 2 submissions from 2 submitters: Likely benign (1). 1 of the submissions does not count toward it. Last evaluated 2025-02-23.

Conditions:
FGFR1-related disorder. Also called: FGFR1-related condition; FGFR1-related disorders. Identifiers: MedGen CN380097.
Hypogonadotropic hypogonadism 2 with or without anosmia (HH2). Also called: HYPOGONADOTROPIC HYPOGONADISM 2 WITHOUT ANOSMIA; HYPOGONADOTROPIC HYPOGONADISM 2 WITH OR WITHOUT ANOSMIA, SUSCEPTIBILITY TO; HYPOGONADOTROPIC HYPOGONADISM 2 WITHOUT ANOSMIA, SUSCEPTIBILITY TO; FGFR1-Related GnRH Deficiency (Kallmann Syndrome 2). Identifiers: Orphanet 478, MedGen C1563720, MONDO:0007844, OMIM 147950. Disease mechanism: loss of function.
Pfeiffer syndrome (ACS5). Also called: ACS V. Identifiers: Orphanet 710, MedGen C0220658, MONDO:0007043, OMIM 101600.

Allele frequency attached by ClinVar (database versions not stated): TOPMed 0.00001; gnomAD 0.00002; gnomAD exomes 0.00002; ExAC 0.00003.
gnomAD v4.1: 33 of 1,613,780 alleles (0.002%); highest among the groups gnomAD compares: Admixed American, 0.005%; no homozygotes.

Submissions (2):

Labcorp Genetics (formerly Invitae), Labcorp
Classification: Likely benign for Pfeiffer syndrome; Hypogonadotropic hypogonadism 2 with or without anosmia. Last evaluated: 2025-02-23. Review status: criteria provided, single submitter. Criteria: Invitae Variant Classification Sherloc (09022015). Collection method: clinical testing. Allele origin: germline.

PreventionGenetics, part of Exact Sciences
Classification: Likely benign for FGFR1-related condition. Last evaluated: 2019-07-22. Review status: no assertion criteria provided. Collection method: clinical testing. Allele origin: germline. Not counted in ClinVar's aggregate classification.
Comment: This variant is classified as likely benign based on ACMG/AMP sequence variant interpretation guidelines (Richards et al. 2015 PMID: 25741868, with internal and published modifications).